The following is an entry in ClinVar:

ClinVar aggregate classification (germline): Benign/Likely benign. Review status: criteria provided, multiple submitters, no conflicts (2 of 4 stars). 18 submissions from 18 submitters: Benign (13); Likely benign (1). 4 of the submissions do not count toward it. Last evaluated 2026-02-04.

Conditions:
Cardiovascular phenotype. Identifiers: MedGen CN230736.
Cardiac arrhythmia. Also called: Arrhythmia; Cardiac rhythm disease. Identifiers: MedGen C0003811, MONDO:0007263, HP:0011675.
Long QT syndrome (LQTS). Identifiers: MedGen C0023976, MeSH D008133, MONDO:0002442. Disease mechanism: loss of function. Inheritance: Various modes of inheritance.
Long QT syndrome 2 (LQT2). Identifiers: Orphanet 101016, Orphanet 768, MedGen C3150943, MONDO:0013367, OMIM 613688.

Allele frequency attached by ClinVar (database versions not stated): 1000 Genomes Project 0.60843; 1000 Genomes Project 30x 0.61024; gnomAD exomes 0.41016 and 0.47929; ExAC 0.47859; ESP Exome Variant Server 0.48939; gnomAD 0.51247 and 0.51362; TOPMed 0.52697.
gnomAD v4.1: 679,252 of 1,613,944 alleles (42%); highest among the groups gnomAD compares: East Asian, 89%; 154,773 homozygotes.

Submissions (18):

Labcorp Genetics (formerly Invitae), Labcorp
Classification: Benign for Long QT syndrome. Last evaluated: 2026-02-04. Review status: criteria provided, single submitter. Criteria: Invitae Variant Classification Sherloc (09022015). Collection method: clinical testing. Allele origin: germline.

Molecular Diagnostic Laboratory for Inherited Cardiovascular Disease, Montreal Heart Institute
Classification: Benign. Last evaluated: 2025-04-09. Review status: criteria provided, single submitter. Criteria: ACMG Guidelines, 2015. Collection method: clinical testing. Allele origin: germline. Affected: no.

Blueprint Genetics
Classification: Likely benign. Last evaluated: 2024-11-27. Review status: criteria provided, single submitter. Criteria: ACMG Guidelines, 2015. Collection method: clinical testing. Allele origin: germline.

All of Us Research Program, National Institutes of Health
Classification: Benign for Long QT syndrome. Last evaluated: 2024-10-02. Review status: criteria provided, single submitter. Criteria: ACMG Guidelines, 2015. Collection method: clinical testing. Allele origin: germline. Inheritance: Autosomal dominant inheritance. Observed: 94,841 variant alleles, 66,162 heterozygotes, 28,654 homozygotes, 25 hemizygotes.
Comment: This study involves interpretation of variants in research participants for the purpose of population health screening. Participant phenotype was not available at the time of variant classification. Additional details can be found in publication PMID: 35346344, PMCID: PMC8962531

Genome-Nilou Lab
Classification: Benign for Long QT syndrome 2. Last evaluated: 2021-08-19. Review status: criteria provided, single submitter. Criteria: ACMG Guidelines, 2015. Collection method: clinical testing. Allele origin: germline. Affected: no.

Color Diagnostics, LLC DBA Color Health
Classification: Benign for Arrhythmia. Last evaluated: 2018-03-16. Review status: criteria provided, single submitter. Criteria: ACMG Guidelines, 2015. Collection method: clinical testing. Allele origin: germline.

Illumina Laboratory Services, Illumina
Classification: Benign for Long QT syndrome 2. Last evaluated: 2018-01-12. Review status: criteria provided, single submitter. Criteria: ICSL Variant Classification Criteria 13 December 2019. Collection method: clinical testing. Allele origin: germline.
Comment: This variant was observed in the ICSL laboratory as part of a predisposition screen in an ostensibly healthy population. It had not been previously curated by ICSL or reported in the Human Gene Mutation Database (HGMD: prior to June 1st, 2018), and was therefore a candidate for classification through an automated scoring system. Utilizing variant allele frequency, disease prevalence and penetrance estimates, and inheritance mode, an automated score was calculated to assess if this variant is too frequent to cause the disease. Based on the score and internal cut-off values, a variant classified as benign is not then subjected to further curation. The score for this variant resulted in a classification of benign for this disease.

Laboratory for Molecular Medicine, Mass General Brigham Personalized Medicine
Classification: Benign. Last evaluated: 2017-11-02. Review status: criteria provided, single submitter. Criteria: LMM Criteria. Collection method: clinical testing. Allele origin: germline. Observed: 1 variant allele.
Comment: Leu564Leu in exon 7 of KCNH2: This variant is not expected to have clinical sign ificance because it does not alter an amino acid residue and is not located with in the splice consensus sequence. It has been identified in 87% (16383/18860) o f East Asian chromosomes by the Genome Aggregation Database (gnomAD; dbSNP rs1805121).

Athena Diagnostics
Classification: Benign. Last evaluated: 2017-04-20. Review status: criteria provided, single submitter. Criteria: Athena Diagnostics Criteria. Collection method: clinical testing. Allele origin: germline.

Ambry Genetics
Classification: Benign for Cardiovascular phenotype. Last evaluated: 2015-02-19. Review status: criteria provided, single submitter. Criteria: Ambry Autosomal Dominant and X-Linked criteria (10/2015). Collection method: clinical testing. Allele origin: germline. Observed: 1 variant allele.

Mayo Clinic Laboratories, Mayo Clinic
Classification: Benign. Last evaluated: 2014-12-11. Review status: criteria provided, single submitter. Criteria: ACMG Guidelines, 2015. Collection method: clinical testing. Allele origin: germline. Observed: 974 variant alleles.

GeneDx
Classification: Benign. Last evaluated: 2011-07-10. Review status: criteria provided, single submitter. Criteria: GeneDx Variant Classification (06012015). Collection method: clinical testing. Allele origin: germline. Affected: yes.
Comment: This variant is considered likely benign or benign based on one or more of the following criteria: it is a conservative change, it occurs at a poorly conserved position in the protein, it is predicted to be benign by multiple in silico algorithms, and/or has population frequency not consistent with disease.

Breakthrough Genomics
Classification: Benign. Review status: criteria provided, single submitter. Criteria: ACMG Guidelines, 2015. Collection method: not provided. Allele origin: germline. Inheritance: Autosomal dominant inheritance. Affected: yes.

PreventionGenetics, part of Exact Sciences
Classification: Benign. Review status: criteria provided, single submitter. Criteria: ACMG Guidelines, 2015. Collection method: clinical testing. Allele origin: germline.

Cohesion Phenomics
Classification: Benign for Long QT syndrome. Last evaluated: 2022-09-23. Review status: no assertion criteria provided. Criteria: ACMG Guidelines, 2015. Collection method: clinical testing. Allele origin: germline. Affected: yes. Not counted in ClinVar's aggregate classification.

Clinical Genetics DNA and cytogenetics Diagnostics Lab, Erasmus MC, Erasmus Medical Center
Classification: Benign. Review status: no assertion criteria provided. Collection method: clinical testing. Allele origin: germline. Affected: yes. Study: VKGL Data-share Consensus. Not counted in ClinVar's aggregate classification.

Clinical Genetics, Academic Medical Center
Classification: Benign. Review status: no assertion criteria provided. Collection method: clinical testing. Allele origin: germline. Affected: yes. Study: VKGL Data-share Consensus. Not counted in ClinVar's aggregate classification.

Joint Genome Diagnostic Labs from Nijmegen and Maastricht, Radboudumc and MUMC+
Classification: Benign. Review status: no assertion criteria provided. Collection method: clinical testing. Allele origin: germline. Affected: yes. Study: VKGL Data-share Consensus. Not counted in ClinVar's aggregate classification.

NM_000238.4(KCNH2):c.1692A>G (p.Leu564=)

Gene: KCNH2 (potassium voltage-gated channel subfamily H member 2; minus strand). Cytogenetic location: 7q36.1.
Variant type: single nucleotide variant.
Coding change: c.1692A>G on transcript NM_000238.4 (MANE Select); coding-DNA position 1692, A replaced by G.
Protein change: p.Leu564=; no amino-acid change (leucine 564 retained).
Molecular consequence: synonymous variant. On other transcripts: non-coding transcript variant (2).
Genome position (GRCh38, 1-based): chr7:150,951,701, T>C on the plus strand (A>G on the coding strand, the complement: KCNH2 is on the minus strand). VCF-style: chr7-150951701-T-C. GRCh37 (hg19) VCF-style: chr7-150648789-T-C.
Other names: p.L564L:CTA>CTG; p.Leu564=; c.672A>G, p.Leu224= (NM_001204798.2, NM_172057.3); c.1404A>G, p.Leu468= (NM_001406753.1, NM_001406756.1); c.1515A>G, p.Leu505= (NM_001406755.1); c.1392A>G, p.Leu464= (NM_001406757.1); c.1692A>G, p.Leu564= (NM_172056.3).
Identifiers: ClinVar variation 200228 (VCV000200228.42), dbSNP rs1805121, ClinGen allele CA005104.